The following is an entry in ClinVar:

NM_000370.3(TTPA):c.488G>T (p.Trp163Leu)

Gene: TTPA (alpha tocopherol transfer protein; minus strand). Cytogenetic location: 8q12.3.
Variant type: single nucleotide variant.
Coding change: c.488G>T on transcript NM_000370.3 (MANE Select); coding-DNA position 488, G replaced by T.
Protein change: p.Trp163Leu; replaces tryptophan 163 with leucine.
Molecular consequence: missense variant.
Genome position (GRCh38, 1-based): chr8:63,065,968, C>A on the plus strand (G>T on the coding strand, the complement: TTPA is on the minus strand). VCF-style: chr8-63065968-C-A. GRCh37 (hg19) VCF-style: chr8-63978527-C-A.
Other names: c.488G>T, p.Trp163Leu (NM_001413416.1); c.605G>T, p.Trp202Leu (NM_001413418.1); short protein forms W163L, W202L.
Identifiers: ClinVar variation 1931139 (VCV001931139.5), dbSNP rs866773722, ClinGen allele CA178384795.

ClinVar aggregate classification (germline): Uncertain significance (1 of 4 stars; one submission).

Allele frequency attached by ClinVar (database versions not stated): gnomAD exomes below 0.00001.
gnomAD v4.1: 2 of 1,614,032 alleles (0.00012%); highest among the groups gnomAD compares: Non-Finnish European, 0.00017%; no homozygotes.

Submission:

Labcorp Genetics (formerly Invitae), Labcorp
Classification: Uncertain significance. Last evaluated: 2022-07-14. Review status: criteria provided, single submitter. Criteria: Invitae Variant Classification Sherloc (09022015). Collection method: clinical testing. Allele origin: germline.
Comment: In summary, the available evidence is currently insufficient to determine the role of this variant in disease. Therefore, it has been classified as a Variant of Uncertain Significance. Algorithms developed to predict the effect of missense changes on protein structure and function are either unavailable or do not agree on the potential impact of this missense change (SIFT: "Deleterious"; PolyPhen-2: "Benign"; Align-GVGD: "Class C55"). This variant has not been reported in the literature in individuals affected with TTPA-related conditions. This variant is present in population databases (no rsID available, gnomAD 0.0009%). This sequence change replaces tryptophan, which is neutral and slightly polar, with leucine, which is neutral and non-polar, at codon 163 of the TTPA protein (p.Trp163Leu).